The following is an entry in ClinVar:

ClinVar aggregate classification (germline): Uncertain significance (1 of 4 stars; one submission).

Submission:

Labcorp Genetics (formerly Invitae), Labcorp
Classification: Uncertain significance. Last evaluated: 2023-11-19. Review status: criteria provided, single submitter. Criteria: Invitae Variant Classification Sherloc (09022015). Collection method: clinical testing. Allele origin: germline.
Comment: This sequence change creates a premature translational stop signal (p.Lys476Asnfs*2) in the SAMD9L gene. While this is not anticipated to result in nonsense mediated decay, it is expected to disrupt the last 1109 amino acid(s) of the SAMD9L protein. This variant is not present in population databases (gnomAD no frequency). This variant has not been reported in the literature in individuals affected with SAMD9L-related conditions. In summary, the available evidence is currently insufficient to determine the role of this variant in disease. Therefore, it has been classified as a Variant of Uncertain Significance.

NM_152703.5(SAMD9L):c.1428_1432del (p.Lys476fs)

Gene: SAMD9L (sterile alpha motif domain containing 9 like; minus strand). Cytogenetic location: 7q21.2.
Variant type: Microsatellite.
Coding change: c.1428_1432del on transcript NM_152703.5 (MANE Select); coding-DNA positions 1428 to 1432, 5 bases deleted (GACAA; older notation c.1428_1432delGACAA).
Protein change: p.Lys476fs; shifts the reading frame from lysine 476.
Molecular consequence: frameshift variant.
Genome position (GRCh38, 1-based): chr7:93,134,540-93,134,544, TTGTC deleted on the plus strand (GACAA on the coding strand, the reverse complement: SAMD9L is on the minus strand); deleting any 5 consecutive bases within chr7:93,134,540-93,134,551 gives the same sequence; the c. name uses the placement nearest the transcript's 3' end. VCF-style (leftmost placement, unchanged base first): chr7-93134539-GTTGTC-G. GRCh37 (hg19) VCF-style: chr7-92763852-GTTGTC-G.
Other names: c.1428_1432del, p.Lys476fs (NM_001303496.3, NM_001303497.3, NM_001303498.3 and 5 more transcripts); short protein forms K476fs.
Identifiers: ClinVar variation 2766118 (VCV002766118.3), dbSNP rs2535428508, ClinGen allele CA2683737252.